The following is an entry in ClinVar:

ClinVar aggregate classification (germline): Pathogenic/Likely pathogenic. Review status: criteria provided, multiple submitters, no conflicts (2 of 4 stars). 5 submissions from 5 submitters: Pathogenic (2); Likely pathogenic (3). Last evaluated 2023-02-23.

Conditions:
Inborn genetic diseases. Identifiers: MedGen C0950123, MeSH D030342.
Mitochondrial disease. Also called: Mitochondrial disorder; Mitochondrial disorders. Identifiers: Orphanet 68380, MedGen C0751651, MeSH D028361, MONDO:0044970.
Autosomal recessive ataxia due to ubiquinone deficiency. Also called: SPINOCEREBELLAR ATAXIA, AUTOSOMAL RECESSIVE 9; Coenzyme Q10 deficiency, primary, 4. Identifiers: Orphanet 139485, MedGen C2677589, MONDO:0012784, OMIM 612016.

Allele frequency attached by ClinVar (database versions not stated): ExAC 0.00001; TOPMed 0.00001.
gnomAD v4.1: 5 of 1,603,236 alleles (0.00031%); highest among the groups gnomAD compares: Non-Finnish European, 0.00043%; no homozygotes.

Submissions (5):

3billion
Classification: Likely pathogenic for Autosomal recessive ataxia due to ubiquinone deficiency. Last evaluated: 2023-02-23. Review status: criteria provided, single submitter. Criteria: ACMG Guidelines, 2015. Collection method: clinical testing. Allele origin: unknown. Affected: yes.
Comment: The variant is observed at an extremely low frequency in the gnomAD v2.1.1 dataset (total allele frequency: 0.001%). In silico tool predictions suggest damaging effect of the variant on gene or gene product (REVEL: 0.75; 3Cnet: 0.94). Same nucleotide change resulting in same amino acid change has been previously reported as pathogenic/likely pathogenic with strong evidence (ClinVar ID: VCV000225002). The variant has been reported to be in trans with a pathogenic variant as either compound heterozygous or homozygous in at least one similarly affected unrelated individual (PMID: 32685350). Therefore, this variant is classified as Likely pathogenic according to the recommendation of ACMG/AMP guideline.

Labcorp Genetics (formerly Invitae), Labcorp
Classification: Pathogenic. Last evaluated: 2022-08-22. Review status: criteria provided, single submitter. Criteria: Invitae Variant Classification Sherloc (09022015). Collection method: clinical testing. Allele origin: germline.
Comment: For these reasons, this variant has been classified as Pathogenic. Advanced modeling of protein sequence and biophysical properties (such as structural, functional, and spatial information, amino acid conservation, physicochemical variation, residue mobility, and thermodynamic stability) performed at Invitae indicates that this missense variant is expected to disrupt COQ8A protein function. ClinVar contains an entry for this variant (Variation ID: 225002). This missense change has been observed in individuals with clinical features of coenzyme Q10 deficiency (PMID: 25131622, 32337771, 32685350; Invitae). It has also been observed to segregate with disease in related individuals. The frequency data for this variant in the population databases is considered unreliable, as metrics indicate poor data quality at this position in the gnomAD database. This sequence change replaces alanine, which is neutral and non-polar, with threonine, which is neutral and polar, at codon 339 of the COQ8A protein (p.Ala339Thr).

Mitochondrial Research Group, Newcastle University
Classification: Likely pathogenic for Mitochondrial disease. Last evaluated: 2019-09-18. Review status: criteria provided, single submitter. Criteria: ACMG Guidelines, 2015. Collection method: clinical testing. Allele origin: germline. Affected: yes. Observed: 1 variant allele.

Ambry Genetics
Classification: Likely pathogenic for Inborn genetic diseases. Last evaluated: 2014-02-05. Review status: criteria provided, single submitter. Criteria: Ambry Autosomal Dominant and X-Linked criteria (10/2015). Collection method: clinical testing. Allele origin: germline. Observed: 1 variant allele.

Clinical Genetics Service, Universitary Hospital 12 de Octubre
Classification: Pathogenic for Autosomal recessive ataxia due to ubiquinone deficiency. Review status: criteria provided, single submitter. Criteria: ACMG Guidelines, 2015. Collection method: clinical testing. Allele origin: germline. Affected: yes.

Literature cited by the submitters: PubMed 32685350 (cited by 3billion and Labcorp Genetics (formerly Invitae), Labcorp); PubMed 25131622 (cited by Labcorp Genetics (formerly Invitae), Labcorp); PubMed 32337771 (cited by Labcorp Genetics (formerly Invitae), Labcorp).

NM_020247.5(COQ8A):c.1015G>A (p.Ala339Thr)

Gene: COQ8A (coenzyme Q8A; plus strand). Cytogenetic location: 1q42.13.
Variant type: single nucleotide variant.
Coding change: c.1015G>A on transcript NM_020247.5 (MANE Select); coding-DNA position 1015, G replaced by A.
Protein change: p.Ala339Thr; replaces alanine 339 with threonine.
Molecular consequence: missense variant.
Genome position (GRCh38, 1-based): chr1:226,982,969, G>A. VCF-style: chr1-226982969-G-A. GRCh37 (hg19) VCF-style: chr1-227170670-G-A.
Other names: short protein forms A339T.
Identifiers: ClinVar variation 225002 (VCV000225002.12), dbSNP rs755933881, ClinGen allele CA358149.